The following is an entry in ClinVar:

NM_001100.4(ACTA1):c.897C>A (p.Asn299Lys)

Gene: ACTA1 (actin alpha 1, skeletal muscle; minus strand). Cytogenetic location: 1q42.13.
Variant type: single nucleotide variant.
Coding change: c.897C>A on transcript NM_001100.4 (MANE Select); coding-DNA position 897, C replaced by A.
Protein change: p.Asn299Lys; replaces asparagine 299 with lysine.
Molecular consequence: missense variant.
Genome position (GRCh38, 1-based): chr1:229,431,814, G>T on the plus strand (C>A on the coding strand, the complement: ACTA1 is on the minus strand). VCF-style: chr1-229431814-G-T. GRCh37 (hg19) VCF-style: chr1-229567561-G-T.
Other names: short protein forms N299K.
Identifiers: ClinVar variation 581898 (VCV000581898.9), dbSNP rs533868659, ClinGen allele CA345145777.

ClinVar aggregate classification (germline): Uncertain significance (1 of 4 stars; one submission).

Conditions:
Actin accumulation myopathy (CMYO2A). Also called: CONGENITAL MYOPATHY 2A, TYPICAL, AUTOSOMAL DOMINANT; Nemaline myopathy type 3; Myopathy, actin, congenital, with cores; Nemaline myopathy 3, with intranuclear rods; Myopathy, actin, congenital, with excess of thin myofilaments. Identifiers: Orphanet 98904, MedGen C3711389, MONDO:0008070, OMIM 161800.

Submission:

Labcorp Genetics (formerly Invitae), Labcorp
Classification: Uncertain significance for Actin accumulation myopathy. Last evaluated: 2018-05-31. Review status: criteria provided, single submitter. Criteria: Invitae Variant Classification Sherloc (09022015). Collection method: clinical testing. Allele origin: germline.
Comment: In summary, the available evidence is currently insufficient to determine the role of this variant in disease. Therefore, it has been classified as a Variant of Uncertain Significance. Algorithms developed to predict the effect of missense changes on protein structure and function are either unavailable or do not agree on the potential impact of this missense change (SIFT: "Tolerated"; PolyPhen-2: "Probably Damaging"; Align-GVGD: "Class C0"). This variant has not been reported in the literature in individuals with ACTA1-related disease. This variant is not present in population databases (ExAC no frequency). This sequence change replaces asparagine with lysine at codon 299 of the ACTA1 protein (p.Asn299Lys). The asparagine residue is highly conserved and there is a moderate physicochemical difference between asparagine and lysine.